The following is an entry in ClinVar:

NM_002691.4(POLD1):c.395A>G (p.Asp132Gly)

Gene: POLD1 (DNA polymerase delta 1, catalytic subunit; plus strand). Cytogenetic location: 19q13.33.
Variant type: single nucleotide variant.
Coding change: c.395A>G on transcript NM_002691.4 (MANE Select); coding-DNA position 395, A replaced by G.
Protein change: p.Asp132Gly; replaces aspartic acid 132 with glycine.
Molecular consequence: missense variant. On other transcripts: non-coding transcript variant (1).
Genome position (GRCh38, 1-based): chr19:50,401,856, A>G. VCF-style: chr19-50401856-A-G. GRCh37 (hg19) VCF-style: chr19-50905113-A-G.
Other names: c.395A>G, p.Asp132Gly (NM_001256849.1, NM_001308632.1); short protein forms D132G.
Identifiers: ClinVar variation 537121 (VCV000537121.7), dbSNP rs1555789791, ClinGen allele CA406972425.

ClinVar aggregate classification (germline): Uncertain significance (1 of 4 stars; one submission).

Conditions:
POLD1-related polyposis and colorectal cancer syndrome (CRCS10). Also called: Colorectal cancer 10; COLORECTAL CANCER, SUSCEPTIBILITY TO, ON CHROMOSOME 19q; Colorectal cancer, susceptibility to, 10. Identifiers: Orphanet 220460, MedGen C2675481, MONDO:0012953, OMIM 612591.

Submission:

Labcorp Genetics (formerly Invitae), Labcorp
Classification: Uncertain significance for POLD1-related polyposis and colorectal cancer syndrome. Last evaluated: 2022-07-24. Review status: criteria provided, single submitter. Criteria: Invitae Variant Classification Sherloc (09022015). Collection method: clinical testing. Allele origin: germline.
Comment: Algorithms developed to predict the effect of missense changes on protein structure and function (SIFT, PolyPhen-2, Align-GVGD) all suggest that this variant is likely to be tolerated. Algorithms developed to predict the effect of sequence changes on RNA splicing suggest that this variant may create or strengthen a splice site. In summary, the available evidence is currently insufficient to determine the role of this variant in disease. Therefore, it has been classified as a Variant of Uncertain Significance. ClinVar contains an entry for this variant (Variation ID: 537121). This sequence change replaces aspartic acid, which is acidic and polar, with glycine, which is neutral and non-polar, at codon 132 of the POLD1 protein (p.Asp132Gly). This variant is not present in population databases (gnomAD no frequency). This variant has not been reported in the literature in individuals affected with POLD1-related conditions.